The following is an entry in ClinVar:

NM_004544.4(NDUFA10):c.739C>T (p.Pro247Ser)

Gene: NDUFA10 (NADH:ubiquinone oxidoreductase subunit A10; minus strand). Cytogenetic location: 2q37.3.
Variant type: single nucleotide variant.
Coding change: c.739C>T on transcript NM_004544.4 (MANE Select); coding-DNA position 739, C replaced by T.
Protein change: p.Pro247Ser; replaces proline 247 with serine.
Molecular consequence: missense variant. On other transcripts: non-coding transcript variant (4).
Genome position (GRCh38, 1-based): chr2:240,011,627, G>A on the plus strand (C>T on the coding strand, the complement: NDUFA10 is on the minus strand). VCF-style: chr2-240011627-G-A. GRCh37 (hg19) VCF-style: chr2-240951044-G-A.
Other names: c.739C>T, p.Pro247Ser (NM_001322019.2, NM_001322020.2); short protein forms P247S.
Identifiers: ClinVar variation 1483702 (VCV001483702.6), dbSNP rs1697148612, ClinGen allele CA351271964.

ClinVar aggregate classification (germline): Uncertain significance (1 of 4 stars; one submission).

Allele frequency attached by ClinVar (database versions not stated): gnomAD exomes below 0.00001; TOPMed below 0.00001.

Submission:

Labcorp Genetics (formerly Invitae), Labcorp
Classification: Uncertain significance. Last evaluated: 2025-08-12. Review status: criteria provided, single submitter. Criteria: Invitae Variant Classification Sherloc (09022015). Collection method: clinical testing. Allele origin: germline.
Comment: This sequence change replaces proline, which is neutral and non-polar, with serine, which is neutral and polar, at codon 247 of the NDUFA10 protein (p.Pro247Ser). This variant is not present in population databases (gnomAD no frequency). This variant has not been reported in the literature in individuals affected with NDUFA10-related conditions. ClinVar contains an entry for this variant (Variation ID: 1483702). Invitae Evidence Modeling of protein sequence and biophysical properties (such as structural, functional, and spatial information, amino acid conservation, physicochemical variation, residue mobility, and thermodynamic stability) indicates that this missense variant is expected to disrupt NDUFA10 protein function with a positive predictive value of 80%. In summary, the available evidence is currently insufficient to determine the role of this variant in disease. Therefore, it has been classified as a Variant of Uncertain Significance.